The following is an entry in ClinVar:

ClinVar aggregate classification (germline): Uncertain significance (1 of 4 stars; one submission).

Conditions:
Inborn genetic diseases. Identifiers: MedGen C0950123, MeSH D030342.

gnomAD v4.1: 6 of 1,614,114 alleles (0.00037%); highest among the groups gnomAD compares: Non-Finnish European, 0.00051%; no homozygotes.

Submission:

Ambry Genetics
Classification: Uncertain significance for Inborn genetic diseases. Last evaluated: 2025-07-21. Review status: criteria provided, single submitter. Criteria: Ambry Variant Classification Scheme 2023. Collection method: clinical testing. Allele origin: germline.
Comment: The p.S921C variant (also known as c.2762C>G), located in coding exon 13 of the ASXL1 gene, results from a C to G substitution at nucleotide position 2762. The serine at codon 921 is replaced by cysteine, an amino acid with dissimilar properties. This amino acid position is conserved. In addition, this alteration is predicted to be tolerated by in silico analysis. Based on the available evidence, the clinical significance of this variant remains unclear.

NM_015338.6(ASXL1):c.2762C>G (p.Ser921Cys)

Gene: ASXL1 (ASXL transcriptional regulator 1; plus strand). Cytogenetic location: 20q11.21.
Variant type: single nucleotide variant.
Coding change: c.2762C>G on transcript NM_015338.6 (MANE Select); coding-DNA position 2762, C replaced by G.
Protein change: p.Ser921Cys; replaces serine 921 with cysteine.
Molecular consequence: missense variant.
Genome position (GRCh38, 1-based): chr20:32,435,474, C>G. VCF-style: chr20-32435474-C-G. GRCh37 (hg19) VCF-style: chr20-31023277-C-G.
Other names: c.2579C>G, p.Ser860Cys (NM_001363734.1); short protein forms S860C, S921C.
Identifiers: ClinVar variation 4158395 (VCV004158395.1).